The following is an entry in ClinVar:

ClinVar aggregate classification (germline): Uncertain significance (1 of 4 stars; one submission).

gnomAD v4.1: 1 of 1,613,836 alleles (0.000062%); no homozygotes.

Submission:

Labcorp Genetics (formerly Invitae), Labcorp
Classification: Uncertain significance. Last evaluated: 2024-11-27. Review status: criteria provided, single submitter. Criteria: Invitae Variant Classification Sherloc (09022015). Collection method: clinical testing. Allele origin: germline.
Comment: This sequence change replaces alanine, which is neutral and non-polar, with threonine, which is neutral and polar, at codon 243 of the CLCN7 protein (p.Ala243Thr). This variant is not present in population databases (gnomAD no frequency). This variant has not been reported in the literature in individuals affected with CLCN7-related conditions. Invitae Evidence Modeling of protein sequence and biophysical properties (such as structural, functional, and spatial information, amino acid conservation, physicochemical variation, residue mobility, and thermodynamic stability) indicates that this missense variant is not expected to disrupt CLCN7 protein function with a negative predictive value of 95%. In summary, the available evidence is currently insufficient to determine the role of this variant in disease. Therefore, it has been classified as a Variant of Uncertain Significance.

NM_001287.6(CLCN7):c.727G>A (p.Ala243Thr)

Gene: CLCN7 (chloride voltage-gated channel 7; minus strand). Cytogenetic location: 16p13.3.
Variant type: single nucleotide variant.
Coding change: c.727G>A on transcript NM_001287.6 (MANE Select); coding-DNA position 727, G replaced by A.
Protein change: p.Ala243Thr; replaces alanine 243 with threonine.
Molecular consequence: missense variant.
Genome position (GRCh38, 1-based): chr16:1,457,705, C>T on the plus strand (G>A on the coding strand, the complement: CLCN7 is on the minus strand). VCF-style: chr16-1457705-C-T. GRCh37 (hg19) VCF-style: chr16-1507706-C-T.
Other names: c.655G>A, p.Ala219Thr (NM_001114331.3); short protein forms A243T, A219T.
Identifiers: ClinVar variation 3637163 (VCV003637163.2).